The following is an entry in ClinVar:

NM_198253.3(TERT):c.2764A>G (p.Met922Val)

Gene: TERT (telomerase reverse transcriptase; minus strand). Cytogenetic location: 5p15.33.
Variant type: single nucleotide variant.
Coding change: c.2764A>G on transcript NM_198253.3 (MANE Select); coding-DNA position 2764, A replaced by G.
Protein change: p.Met922Val; replaces methionine 922 with valine.
Molecular consequence: missense variant. On other transcripts: intron variant (1).
Genome position (GRCh38, 1-based): chr5:1,264,483, T>C on the plus strand (A>G on the coding strand, the complement: TERT is on the minus strand). VCF-style: chr5-1264483-T-C. GRCh37 (hg19) VCF-style: chr5-1264598-T-C.
Other names: c.2654+1981A>G (NM_001193376.3); short protein forms M922V.
Identifiers: ClinVar variation 3805756 (VCV003805756.1).

ClinVar aggregate classification (germline): Uncertain significance (1 of 4 stars; one submission).

Conditions:
Dyskeratosis congenita. Identifiers: Orphanet 1775, MedGen C0265965, MONDO:0015780.

Submission:

Ambry Genetics
Classification: Uncertain significance for Dyskeratosis congenita. Last evaluated: 2024-12-20. Review status: criteria provided, single submitter. Criteria: Ambry Variant Classification Scheme 2023. Collection method: clinical testing. Allele origin: germline.
Comment: The p.M922V variant (also known as c.2764A>G), located in coding exon 11 of the TERT gene, results from an A to G substitution at nucleotide position 2764. The methionine at codon 922 is replaced by valine, an amino acid with highly similar properties. This amino acid position is conserved. In addition, this alteration is predicted to be tolerated by in silico analysis. Based on the available evidence, the clinical significance of this variant remains unclear.